The following is an entry in ClinVar:

ClinVar aggregate classification (germline): Uncertain significance (1 of 4 stars; one submission).

Conditions:
Hereditary sensory and autonomic neuropathy type 7. Also called: Neuropathy, hereditary sensory and autonomic, type VII; HSAN VII. Identifiers: Orphanet 391397, MedGen C3809882, MONDO:0014244, OMIM 615548.
Familial episodic pain syndrome with predominantly lower limb involvement. Also called: Episodic pain syndrome, familial, 3. Identifiers: Orphanet 391384, Orphanet 391392, MedGen C3809899, MONDO:0014247, OMIM 615552.

gnomAD v4.1: 2 of 1,611,192 alleles (0.00012%); highest among the groups gnomAD compares: Non-Finnish European, 0.00017%; no homozygotes.

Submission:

Labcorp Genetics (formerly Invitae), Labcorp
Classification: Uncertain significance for Familial episodic pain syndrome with predominantly lower limb involvement; Hereditary sensory and autonomic neuropathy type 7. Last evaluated: 2023-11-18. Review status: criteria provided, single submitter. Criteria: Invitae Variant Classification Sherloc (09022015). Collection method: clinical testing. Allele origin: germline.
Comment: This sequence change creates a premature translational stop signal (p.Ser784*) in the SCN11A gene. It is expected to result in an absent or disrupted protein product. However, the current clinical and genetic evidence is not sufficient to establish whether loss-of-function variants in SCN11A cause disease. This variant is not present in population databases (gnomAD no frequency). This variant has not been reported in the literature in individuals affected with SCN11A-related conditions. ClinVar contains an entry for this variant (Variation ID: 2420903). In summary, the available evidence is currently insufficient to determine the role of this variant in disease. Therefore, it has been classified as a Variant of Uncertain Significance.

NM_001349253.2(SCN11A):c.2351C>G (p.Ser784Ter)

Gene: SCN11A (sodium voltage-gated channel alpha subunit 11; minus strand). Cytogenetic location: 3p22.2.
Variant type: single nucleotide variant.
Coding change: c.2351C>G on transcript NM_001349253.2 (MANE Select); coding-DNA position 2351, C replaced by G.
Protein change: p.Ser784Ter; replaces serine 784 with a stop codon.
Molecular consequence: nonsense.
Genome position (GRCh38, 1-based): chr3:38,896,897, G>C on the plus strand (C>G on the coding strand, the complement: SCN11A is on the minus strand). VCF-style: chr3-38896897-G-C. GRCh37 (hg19) VCF-style: chr3-38938388-G-C.
Other names: c.2351C>G, p.Ser784Ter (NM_014139.3); short protein forms S784*.
Identifiers: ClinVar variation 2420903 (VCV002420903.6), dbSNP rs999399367, ClinGen allele CA72959243.